The following is an entry in ClinVar:

NM_001378183.1(PIEZO2):c.1201C>T (p.Leu401Phe)

Gene: PIEZO2 (piezo type mechanosensitive ion channel component 2; minus strand). Cytogenetic location: 18p11.22.
Variant type: single nucleotide variant.
Coding change: c.1201C>T on transcript NM_001378183.1 (MANE Select); coding-DNA position 1201, C replaced by T.
Protein change: p.Leu401Phe; replaces leucine 401 with phenylalanine.
Molecular consequence: missense variant.
Genome position (GRCh38, 1-based): chr18:10,801,428, G>A on the plus strand (C>T on the coding strand, the complement: PIEZO2 is on the minus strand). VCF-style: chr18-10801428-G-A. GRCh37 (hg19) VCF-style: chr18-10801426-G-A.
Other names: c.1201C>T, p.Leu401Phe (NM_001410871.1, NM_022068.4); short protein forms L401F.
Identifiers: ClinVar variation 4986372 (VCV004986372.1).

ClinVar aggregate classification (germline): Uncertain significance (1 of 4 stars; one submission).

Conditions:
PIEZO2-related disorder. Also called: PIEZO2-related disorders; PIEZO2-related condition.

gnomAD v4.1: 8 of 1,505,046 alleles (0.00053%); highest among the groups gnomAD compares: African/African-American, 0.0083%; no homozygotes.

Submission:

PreventionGenetics, part of Exact Sciences
Classification: Uncertain significance for PIEZO2-related condition. Last evaluated: 2026-09-03. Review status: criteria provided, single submitter. Criteria: ACMG Guidelines, 2015. Collection method: clinical testing. Allele origin: germline.
Comment: The PIEZO2 c.1201C>T variant is predicted to result in the amino acid substitution p.Leu401Phe. To our knowledge, this variant has not been reported in the literature. This variant is reported in 0.0060% of alleles in individuals of African descent in gnomAD. At this time, the clinical significance of this variant is uncertain due to the absence of conclusive functional and genetic evidence.